The following is an entry in ClinVar:

ClinVar aggregate classification (germline): Uncertain significance (1 of 4 stars; one submission).

Conditions:
Hereditary pheochromocytoma and paraganglioma. Also called: Hereditary pheochromocytoma-paraganglioma; Hereditary Paraganglioma-Pheochromocytoma Syndromes; Hereditary paragangliomas and pheochromocytomas. Identifiers: Orphanet 29072, MedGen C4274332, MONDO:0017366.

Submission:

All of Us Research Program, National Institutes of Health
Classification: Uncertain significance for Hereditary pheochromocytoma and paraganglioma. Last evaluated: 2023-06-26. Review status: criteria provided, single submitter. Criteria: ACMG Guidelines, 2015. Collection method: clinical testing. Allele origin: germline. Inheritance: Autosomal dominant inheritance. Observed: 1 variant allele, 1 heterozygote.
Comment: This missense variant replaces aspartic acid with glutamic acid at codon 224 of the SDHB protein. Computational prediction suggests that this variant may have deleterious impact on protein structure and function (internally defined REVEL score threshold >= 0.7, PMID: 27666373). To our knowledge, functional studies have not been reported for this variant. This variant has not been reported in individuals affected with SDHB-related disorders in the literature. This variant has not been identified in the general population by the Genome Aggregation Database (gnomAD). The available evidence is insufficient to determine the role of this variant in disease conclusively. Therefore, this variant is classified as a Variant of Uncertain Significance.

This study involves interpretation of variants in research participants for the purpose of population health screening. Participant phenotype was not available at the time of variant classification. Additional details can be found in publication PMID: 35346344, PMCID: PMC8962531

NM_003000.3(SDHB):c.672T>A (p.Asp224Glu)

Gene: SDHB (succinate dehydrogenase complex iron sulfur subunit B; minus strand). Cytogenetic location: 1p36.13.
Variant type: single nucleotide variant.
Coding change: c.672T>A on transcript NM_003000.3 (MANE Select); coding-DNA position 672, T replaced by A.
Protein change: p.Asp224Glu; replaces aspartic acid 224 with glutamic acid.
Molecular consequence: missense variant.
Genome position (GRCh38, 1-based): chr1:17,022,701, A>T on the plus strand (T>A on the coding strand, the complement: SDHB is on the minus strand). VCF-style: chr1-17022701-A-T. GRCh37 (hg19) VCF-style: chr1-17349196-A-T.
Other names: c.618T>A, p.Asp206Glu (NM_001407361.1); short protein forms D206E, D224E.
Identifiers: ClinVar variation 3071895 (VCV003071895.1), dbSNP rs2101513936, ClinGen allele CA338270416.